The following is an entry in ClinVar:

NM_005228.5(EGFR):c.725G>A (p.Gly242Asp)

Gene: EGFR (epidermal growth factor receptor; plus strand). Cytogenetic location: 7p11.2.
Variant type: single nucleotide variant.
Coding change: c.725G>A on transcript NM_005228.5 (MANE Select); coding-DNA position 725, G replaced by A.
Protein change: p.Gly242Asp; replaces glycine 242 with aspartic acid.
Molecular consequence: missense variant. On other transcripts: intron variant (1).
Genome position (GRCh38, 1-based): chr7:55,152,642, G>A. VCF-style: chr7-55152642-G-A. GRCh37 (hg19) VCF-style: chr7-55220335-G-A.
Other names: c.590G>A, p.Gly197Asp (NM_001346897.2, NM_001346899.2); c.725G>A, p.Gly242Asp (NM_001346898.2, NM_201282.2, NM_201283.2 and 1 more transcripts); c.566G>A, p.Gly189Asp (NM_001346900.2); c.89-3188G>A (NM_001346941.2); short protein forms G189D, G242D, G197D.
Identifiers: ClinVar variation 2045491 (VCV002045491.4), dbSNP rs2128933863, ClinGen allele CA367577527.
Genomic context (GRCh38, chr7:55,152,642, plus strand): 5'-GCTGCCGTGGCAAGTCCCCCAGTGACTGCTGCCACAACCAGTGTGCTGCAGGCTGCACAG[G>A]CCCCCGGGAGAGCGACTGCCTGGTAAGATGCCCCTCCAGCAGCCTCCCTGGAGCAGGCTG-3'
Protein context (NP_005219.2, residues 232-252): CHNQCAAGCT[Gly242Asp]PRESDCLVCR

ClinVar aggregate classification (germline): Uncertain significance (1 of 4 stars; one submission).

Conditions:
EGFR-related lung cancer (EGFR). Identifiers: MedGen CN130014.

Submission:

Labcorp Genetics (formerly Invitae), Labcorp
Classification: Uncertain significance for EGFR-related lung cancer. Last evaluated: 2025-08-07. Review status: criteria provided, single submitter. Criteria: Invitae Variant Classification Sherloc (09022015). Collection method: clinical testing. Allele origin: germline.
Comment: This sequence change replaces glycine, which is neutral and non-polar, with aspartic acid, which is acidic and polar, at codon 242 of the EGFR protein (p.Gly242Asp). This variant is not present in population databases (gnomAD no frequency). This variant has not been reported in the literature in individuals affected with EGFR-related conditions. ClinVar contains an entry for this variant (Variation ID: 2045491). Invitae Evidence Modeling of protein sequence and biophysical properties (such as structural, functional, and spatial information, amino acid conservation, physicochemical variation, residue mobility, and thermodynamic stability) indicates that this missense variant is not expected to disrupt EGFR protein function with a negative predictive value of 80%. In summary, the available evidence is currently insufficient to determine the role of this variant in disease. Therefore, it has been classified as a Variant of Uncertain Significance.